The following is an entry in ClinVar:

NM_015046.7(SETX):c.963C>T (p.Asn321=)

Gene: SETX (senataxin; minus strand). Cytogenetic location: 9q34.13.
Variant type: single nucleotide variant.
Coding change: c.963C>T on transcript NM_015046.7 (MANE Select); coding-DNA position 963, C replaced by T.
Protein change: p.Asn321=; no amino-acid change (asparagine 321 retained).
Molecular consequence: synonymous variant.
Genome position (GRCh38, 1-based): chr9:132,331,324, G>A on the plus strand (C>T on the coding strand, the complement: SETX is on the minus strand). VCF-style: chr9-132331324-G-A. GRCh37 (hg19) VCF-style: chr9-135206711-G-A.
Other names: c.963C>T, p.Asn321= (NM_001351527.2, NM_001351528.2); c.963C>T (NM_015046.5).
Identifiers: ClinVar variation 1554246 (VCV001554246.9), dbSNP rs750254836, ClinGen allele CA5297889.

ClinVar aggregate classification (germline): Likely benign. Review status: criteria provided, multiple submitters, no conflicts (2 of 4 stars). 2 submissions from 2 submitters: Likely benign (2). Last evaluated 2025-07-30.

Conditions:
SETX-related disorder. Also called: SETX-related condition; SETX-related disorders. Identifiers: MedGen CN239403.
Amyotrophic lateral sclerosis type 4 (ALS4). Also called: AMYOTROPHIC LATERAL SCLEROSIS 4, JUVENILE; NEURONOPATHY, DISTAL HEREDITARY MOTOR, WITH PYRAMIDAL FEATURES. Identifiers: Orphanet 357043, MedGen C1865409, MONDO:0011223, OMIM 602433.
Spinocerebellar ataxia, autosomal recessive, with axonal neuropathy 2 (SCAN2). Also called: Ataxia-ocular apraxia-2; Ataxia with Oculomotor Apraxia; ATAXIA-OCULOMOTOR APRAXIA 2; Ataxia with Oculomotor Apraxia Type 2. Identifiers: Orphanet 64753, MedGen C1853761, MONDO:0018996, OMIM 606002.

Allele frequency attached by ClinVar (database versions not stated): gnomAD 0.00001 and 0.00002; gnomAD exomes 0.00001; TOPMed 0.00001; ExAC 0.00002.
gnomAD v4.1: 14 of 1,613,860 alleles (0.00087%); highest among the groups gnomAD compares: Admixed American, 0.0017%; no homozygotes.

Submissions (2):

PreventionGenetics, part of Exact Sciences
Classification: Likely benign for SETX-related condition. Last evaluated: 2025-07-30. Review status: criteria provided, single submitter. Criteria: ACMG Guidelines, 2015. Collection method: clinical testing. Allele origin: germline.
Comment: This variant is classified as likely benign based on ACMG/AMP sequence variant interpretation guidelines (Richards et al. 2015 PMID: 25741868, with internal and published modifications).

Labcorp Genetics (formerly Invitae), Labcorp
Classification: Likely benign for Amyotrophic lateral sclerosis type 4; Spinocerebellar ataxia, autosomal recessive, with axonal neuropathy 2. Last evaluated: 2024-12-10. Review status: criteria provided, single submitter. Criteria: Invitae Variant Classification Sherloc (09022015). Collection method: clinical testing. Allele origin: germline.